The following is an entry in ClinVar:

ClinVar aggregate classification (germline): Uncertain significance (1 of 4 stars; one submission).

Conditions:
Pityriasis rubra pilaris (PRP). Also called: Pityriasis rubra pilaris--familial type. Identifiers: Orphanet 2897, MedGen C0032027, MONDO:0100017, OMIM 173200, MONDO:0008251.
Psoriasis 2. Identifiers: MedGen C1864497, MONDO:0011269, OMIM 602723.

Submission:

Labcorp Genetics (formerly Invitae), Labcorp
Classification: Uncertain significance for Pityriasis rubra pilaris; Psoriasis 2. Last evaluated: 2024-07-01. Review status: criteria provided, single submitter. Criteria: Invitae Variant Classification Sherloc (09022015). Collection method: clinical testing. Allele origin: germline.
Comment: This sequence change replaces aspartic acid, which is acidic and polar, with glycine, which is neutral and non-polar, at codon 369 of the CARD14 protein (p.Asp369Gly). This variant is not present in population databases (gnomAD no frequency). This variant has not been reported in the literature in individuals affected with CARD14-related conditions. Advanced modeling of protein sequence and biophysical properties (such as structural, functional, and spatial information, amino acid conservation, physicochemical variation, residue mobility, and thermodynamic stability) performed at Invitae indicates that this missense variant is expected to disrupt CARD14 protein function with a positive predictive value of 80%. In summary, the available evidence is currently insufficient to determine the role of this variant in disease. Therefore, it has been classified as a Variant of Uncertain Significance.

NM_001366385.1(CARD14):c.1106A>G (p.Asp369Gly)

Gene: CARD14 (caspase recruitment domain family member 14; plus strand). Cytogenetic location: 17q25.3.
Variant type: single nucleotide variant.
Coding change: c.1106A>G on transcript NM_001366385.1 (MANE Select); coding-DNA position 1106, A replaced by G.
Protein change: p.Asp369Gly; replaces aspartic acid 369 with glycine.
Molecular consequence: missense variant. On other transcripts: non-coding transcript variant (1).
Genome position (GRCh38, 1-based): chr17:80,191,339, A>G. VCF-style: chr17-80191339-A-G. GRCh37 (hg19) VCF-style: chr17-78165138-A-G.
Other names: c.1106A>G, p.Asp369Gly (NM_001257970.1, NM_024110.4); c.395A>G, p.Asp132Gly (NM_052819.3); short protein forms D132G, D369G.
Identifiers: ClinVar variation 3757079 (VCV003757079.2).
Genomic context (GRCh38, chr17:80,191,339, plus strand): 5'-CGGTGGTGATGGCGCGGCCTCCTTACTCCCGTCGTGGCCCACAGGCGTACTCCGCGAGGG[A>G]CAGTGCTCAGAGGGAGATTTCCCAGAGCCTGGTGGAGAAGGACTCCCTCCGCAGGCAGGT-3'
Protein context (NP_001353314.1, residues 359-379): KERDQAYSAR[Asp369Gly]SAQREISQSL